The following is an entry in ClinVar:

NM_000257.4(MYH7):c.2444A>T (p.Gln815Leu)

Genes: MYH7 (myosin heavy chain 7; minus strand), LOC126861898 (BRD4-independent group 4 enhancer GRCh37_chr14:23893609-23894808; plus strand). Cytogenetic location: 14q11.2.
Variant type: single nucleotide variant.
Coding change: c.2444A>T on transcript NM_000257.4 (MANE Select); coding-DNA position 2444, A replaced by T.
Protein change: p.Gln815Leu; replaces glutamine 815 with leucine.
Molecular consequence: missense variant.
Genome position (GRCh38, 1-based): chr14:23,425,004, T>A on the plus strand (A>T on the coding strand, the complement: MYH7 is on the minus strand). VCF-style: chr14-23425004-T-A. GRCh37 (hg19) VCF-style: chr14-23894213-T-A.
Other names: c.2444A>T, p.Gln815Leu (NM_001407004.1); short protein forms Q815L.
Identifiers: ClinVar variation 1941361 (VCV001941361.5), dbSNP rs2502284291, ClinGen allele CA389048398.

ClinVar aggregate classification (germline): Uncertain significance (1 of 4 stars; one submission).

Conditions:
Hypertrophic cardiomyopathy. Also called: HYPERTROPHIC MYOCARDIOPATHY. Identifiers: Orphanet 217569, MedGen C0007194, MeSH D002312, MONDO:0005045, HP:0001639.

Allele frequency attached by ClinVar (database versions not stated): gnomAD exomes below 0.00001.
gnomAD v4.1: 2 of 1,614,222 alleles (0.00012%); highest among the groups gnomAD compares: Non-Finnish European, 0.00017%; no homozygotes.

Submission:

Labcorp Genetics (formerly Invitae), Labcorp
Classification: Uncertain significance for Hypertrophic cardiomyopathy. Last evaluated: 2021-12-20. Review status: criteria provided, single submitter. Criteria: Invitae Variant Classification Sherloc (09022015). Collection method: clinical testing. Allele origin: germline.
Comment: This variant is not present in population databases (gnomAD no frequency). In summary, the available evidence is currently insufficient to determine the role of this variant in disease. Therefore, it has been classified as a Variant of Uncertain Significance. Algorithms developed to predict the effect of missense changes on protein structure and function (SIFT, PolyPhen-2, Align-GVGD) all suggest that this variant is likely to be disruptive. This variant has not been reported in the literature in individuals affected with MYH7-related conditions. This sequence change replaces glutamine, which is neutral and polar, with leucine, which is neutral and non-polar, at codon 815 of the MYH7 protein (p.Gln815Leu).